The following is an entry in ClinVar:

NM_000168.6(GLI3):c.2697C>T (p.Ser899=)

Gene: GLI3 (GLI family zinc finger 3; minus strand). Cytogenetic location: 7p14.1.
Variant type: single nucleotide variant.
Coding change: c.2697C>T on transcript NM_000168.6 (MANE Select); coding-DNA position 2697, C replaced by T.
Protein change: p.Ser899=; no amino-acid change (serine 899 retained).
Molecular consequence: synonymous variant.
Genome position (GRCh38, 1-based): chr7:41,966,376, G>A on the plus strand (C>T on the coding strand, the complement: GLI3 is on the minus strand). VCF-style: chr7-41966376-G-A. GRCh37 (hg19) VCF-style: chr7-42005974-G-A.
Identifiers: ClinVar variation 742925 (VCV000742925.4), dbSNP rs772034729, ClinGen allele CA4230546.

ClinVar aggregate classification (germline): Likely benign. Review status: criteria provided, multiple submitters, no conflicts (2 of 4 stars). 2 submissions from 2 submitters: Likely benign (2). Last evaluated 2025-05-12.

Conditions:
GLI3-related disorder. Also called: GLI3-related condition; GLI3-related disorders. Identifiers: MedGen CN239292.

Allele frequency attached by ClinVar (database versions not stated): gnomAD 0.00004 and 0.00005; gnomAD exomes 0.00004 and 0.00005; TOPMed 0.00004; ExAC 0.00009.
gnomAD v4.1: 73 of 1,609,500 alleles (0.0045%); highest among the groups gnomAD compares: Non-Finnish European, 0.0057%; no homozygotes.

Submissions (2):

PreventionGenetics, part of Exact Sciences
Classification: Likely benign for GLI3-related condition. Last evaluated: 2025-05-12. Review status: criteria provided, single submitter. Criteria: ACMG Guidelines, 2015. Collection method: clinical testing. Allele origin: germline.
Comment: This variant is classified as likely benign based on ACMG/AMP sequence variant interpretation guidelines (Richards et al. 2015 PMID: 25741868, with internal and published modifications).

Labcorp Genetics (formerly Invitae), Labcorp
Classification: Likely benign. Last evaluated: 2018-01-30. Review status: criteria provided, single submitter. Criteria: Invitae Variant Classification Sherloc (09022015). Collection method: clinical testing. Allele origin: germline.